The following is an entry in ClinVar:

NM_001271.4(CHD2):c.5241C>G (p.His1747Gln)

Gene: CHD2 (chromodomain helicase DNA binding protein 2; plus strand). Cytogenetic location: 15q26.1.
Variant type: single nucleotide variant.
Coding change: c.5241C>G on transcript NM_001271.4 (MANE Select); coding-DNA position 5241, C replaced by G.
Protein change: p.His1747Gln; replaces histidine 1747 with glutamine.
Molecular consequence: missense variant.
Genome position (GRCh38, 1-based): chr15:93,024,459, C>G. VCF-style: chr15-93024459-C-G. GRCh37 (hg19) VCF-style: chr15-93567689-C-G.
Other names: short protein forms H1747Q.
Identifiers: ClinVar variation 2138000 (VCV002138000.4), dbSNP rs1309817776, ClinGen allele CA393908373.
Genomic context (GRCh38, chr15:93,024,459, plus strand): 5'-ATCCGATGAATTTAGGCCTCAAAATTACCACCAGCAGGATTTCCGACGAATGTCTGATCA[C>G]CGCCCCGCTATGGGCTACCATGGCCAGGGACCCTCAGACCATTACCGCTCTTTCCACACA-3'
Protein context (NP_001262.3, residues 1737-1757): HQQDFRRMSD[His1747Gln]RPAMGYHGQG

ClinVar aggregate classification (germline): Uncertain significance (1 of 4 stars; one submission).

Conditions:
Developmental and epileptic encephalopathy 94 (DEE94). Also called: CHD2-Related Neurodevelopmental Disorders; Epileptic encephalopathy, childhood-onset. Identifiers: Orphanet 1942, Orphanet 2382, MedGen C3809278, MONDO:0014150, OMIM 615369.

Allele frequency attached by ClinVar (database versions not stated): TOPMed below 0.00001; gnomAD 0.00001.
gnomAD v4.1: 4 of 1,614,088 alleles (0.00025%); highest among the groups gnomAD compares: Non-Finnish European, 0.00034%; no homozygotes.

Submission:

Labcorp Genetics (formerly Invitae), Labcorp
Classification: Uncertain significance for Developmental and epileptic encephalopathy 94. Last evaluated: 2024-09-10. Review status: criteria provided, single submitter. Criteria: Invitae Variant Classification Sherloc (09022015). Collection method: clinical testing. Allele origin: germline.
Comment: This sequence change replaces histidine, which is basic and polar, with glutamine, which is neutral and polar, at codon 1747 of the CHD2 protein (p.His1747Gln). This variant is not present in population databases (gnomAD no frequency). This variant has not been reported in the literature in individuals affected with CHD2-related conditions. ClinVar contains an entry for this variant (Variation ID: 2138000). Invitae Evidence Modeling of protein sequence and biophysical properties (such as structural, functional, and spatial information, amino acid conservation, physicochemical variation, residue mobility, and thermodynamic stability) indicates that this missense variant is not expected to disrupt CHD2 protein function with a negative predictive value of 95%. In summary, the available evidence is currently insufficient to determine the role of this variant in disease. Therefore, it has been classified as a Variant of Uncertain Significance.